The following is an entry in ClinVar:

NM_001166108.2(PALLD):c.2740A>C (p.Ser914Arg)

Genes: CBR4 (carbonyl reductase 4; minus strand), PALLD (palladin, cytoskeletal associated protein; plus strand). Cytogenetic location: 4q32.3.
Variant type: single nucleotide variant.
Coding change: c.2740A>C on transcript NM_001166108.2 (MANE Select); coding-DNA position 2740, A replaced by C.
Protein change: p.Ser914Arg; replaces serine 914 with arginine.
Molecular consequence: missense variant.
Genome position (GRCh38, 1-based): chr4:168,915,917, A>C. VCF-style: chr4-168915917-A-C. GRCh37 (hg19) VCF-style: chr4-169837068-A-C.
Other names: c.1543A>C, p.Ser515Arg (NM_001166109.2); c.1228A>C, p.Ser410Arg (NM_001166110.2); c.568A>C, p.Ser190Arg (NM_001367567.1, NM_001367569.1); c.619A>C, p.Ser207Arg (NM_001367568.1, NM_001367570.1); c.2689A>C, p.Ser897Arg (NM_016081.4); short protein forms S207R, S190R, S410R, S515R, S897R, S914R.
Identifiers: ClinVar variation 2448478 (VCV002448478.2), dbSNP rs950480850, ClinGen allele CA358706457.
Genomic context (GRCh38, chr4:168,915,917, plus strand): 5'-CTATATTTCTATCTATCTGTCATCTTTCTTGTTTCAAGGCCTCGTTCTAGATCAAGGGAC[A>C]GTGGAGACGAAAATGAACCAATTCAGGAGCGATTCTTCAGACCTCACTTCTTGCAGGCTC-3'
Protein context (NP_001159580.1, residues 904-924): VRRPRSRSRD[Ser914Arg]GDENEPIQER

ClinVar aggregate classification (germline): Uncertain significance (1 of 4 stars; one submission).

Submission:

Ambry Genetics
Classification: Uncertain significance. Last evaluated: 2023-01-16. Review status: criteria provided, single submitter. Criteria: Ambry Variant Classification Scheme 2023. Collection method: clinical testing. Allele origin: germline.
Comment: The p.S897R variant (also known as c.2689A>C), located in coding exon 15 of the PALLD gene, results from an A to C substitution at nucleotide position 2689. The serine at codon 897 is replaced by arginine, an amino acid with dissimilar properties. This amino acid position is conserved. In addition, the in silico prediction for this alteration is inconclusive. Since supporting evidence is limited at this time, the clinical significance of this alteration remains unclear.